The following is an entry in ClinVar:

NM_004304.5(ALK):c.775C>G (p.Arg259Gly)

Gene: ALK (ALK receptor tyrosine kinase; minus strand). Cytogenetic location: 2p23.2.
Variant type: single nucleotide variant.
Coding change: c.775C>G on transcript NM_004304.5 (MANE Select); coding-DNA position 775, C replaced by G.
Protein change: p.Arg259Gly; replaces arginine 259 with glycine.
Molecular consequence: missense variant.
Genome position (GRCh38, 1-based): chr2:29,717,590, G>C on the plus strand (C>G on the coding strand, the complement: ALK is on the minus strand). VCF-style: chr2-29717590-G-C. GRCh37 (hg19) VCF-style: chr2-29940456-G-C.
Other names: short protein forms R259G.
Identifiers: ClinVar variation 574357 (VCV000574357.8), dbSNP rs771593278, ClinGen allele CA1594873.
Genomic context (GRCh38, chr2:29,717,590, plus strand): 5'-ATGAGATAGTGACAGTGTATCTCAAGTAAATATTAAACATATACTTACCATATCGGCTGC[G>C]ATGAGACAGGAAAGGGAAGGAGTCTTTCATTATCCAGGTGAGATTCCATGTAAAATAATC-3'
Protein context (NP_004295.2, residues 249-269): MKDSFPFLSH[Arg259Gly]SRYGLECSFD

ClinVar aggregate classification (germline): Uncertain significance. Review status: criteria provided, multiple submitters, no conflicts (2 of 4 stars). 2 submissions from 2 submitters: Uncertain significance (2). Last evaluated 2025-09-23.

Conditions:
Hereditary cancer-predisposing syndrome. Also called: Hereditary neoplastic syndrome; Neoplastic Syndromes, Hereditary; Hereditary Cancer Syndrome; Tumor predisposition. Identifiers: Orphanet 140162, MedGen C0027672, MeSH D009386, MONDO:0015356.
Neuroblastoma, susceptibility to, 3. Also called: ALK-Related Neuroblastic Tumor Susceptibility. Identifiers: Orphanet 635, MedGen C2751681, MONDO:0013083, OMIM 613014.

Submissions (2):

Labcorp Genetics (formerly Invitae), Labcorp
Classification: Uncertain significance for Neuroblastoma, susceptibility to, 3. Last evaluated: 2025-09-23. Review status: criteria provided, single submitter. Criteria: Invitae Variant Classification Sherloc (09022015). Collection method: clinical testing. Allele origin: germline.
Comment: This sequence change replaces arginine, which is basic and polar, with glycine, which is neutral and non-polar, at codon 259 of the ALK protein (p.Arg259Gly). This variant is present in population databases (rs771593278, gnomAD 0.02%). This variant has not been reported in the literature in individuals affected with ALK-related conditions. ClinVar contains an entry for this variant (Variation ID: 574357). An algorithm developed to predict the effect of missense changes on protein structure and function (PolyPhen-2) suggests that this variant is likely to be tolerated. In summary, the available evidence is currently insufficient to determine the role of this variant in disease. Therefore, it has been classified as a Variant of Uncertain Significance.

Ambry Genetics
Classification: Uncertain significance for Hereditary cancer-predisposing syndrome. Last evaluated: 2025-05-16. Review status: criteria provided, single submitter. Criteria: Ambry Variant Classification Scheme 2023. Collection method: clinical testing. Allele origin: germline.
Comment: The p.R259G variant (also known as c.775C>G), located in coding exon 2 of the ALK gene, results from a C to G substitution at nucleotide position 775. The arginine at codon 259 is replaced by glycine, an amino acid with dissimilar properties. This amino acid position is highly conserved in available vertebrate species. In addition, this alteration is predicted to be deleterious by in silico analysis. Based on the available evidence, the clinical significance of this variant remains unclear.